The following is an entry in ClinVar:

NM_001130438.3(SPTAN1):c.698_723del (p.Val233fs)

Gene: SPTAN1 (spectrin alpha, non-erythrocytic 1; plus strand). Cytogenetic location: 9q34.11.
Variant type: Deletion.
Coding change: c.698_723del on transcript NM_001130438.3 (MANE Select); coding-DNA positions 698 to 723, 26 bases deleted (TCAATGCAGCCTGGCAGCGGCTGAAG).
Protein change: p.Val233fs; shifts the reading frame from valine 233.
Molecular consequence: frameshift variant.
Genome position (GRCh38, 1-based): chr9:128,576,869-128,576,894, TCAATGCAGCCTGGCAGCGGCTGAAG deleted; deleting any 26 consecutive bases within chr9:128,576,864-128,576,894 gives the same sequence; the c. name uses the placement nearest the transcript's 3' end. VCF-style (leftmost placement, unchanged base first): chr9-128576863-ATGAAGTCAATGCAGCCTGGCAGCGGC-A. GRCh37 (hg19) VCF-style: chr9-131339142-ATGAAGTCAATGCAGCCTGGCAGCGGC-A.
Other names: c.698_723del, p.Val233fs (NM_001195532.2, NM_001363759.2, NM_001363765.2 and 1 more transcripts); short protein forms V233fs.
Identifiers: ClinVar variation 499430 (VCV000499430.8), dbSNP rs1554741638, ClinGen allele CA658797279.

ClinVar aggregate classification (germline): Conflicting classifications of pathogenicity. Review status: criteria provided, conflicting classifications (1 of 4 stars). 2 submissions from 2 submitters: Pathogenic (1); Uncertain significance (1). Last evaluated 2023-05-01.

Conditions:
Early-infantile DEE. Also called: Early infantile epileptic encephalopathy; Ohtahara syndrome; Early infantile epileptic encephalopathy with suppression bursts. Identifiers: Orphanet 1934, MedGen C0393706, MONDO:0800491.

Submissions (2):

Labcorp Genetics (formerly Invitae), Labcorp
Classification: Pathogenic for Early-infantile DEE. Last evaluated: 2023-05-01. Review status: criteria provided, single submitter. Criteria: Invitae Variant Classification Sherloc (09022015). Collection method: clinical testing. Allele origin: germline.
Comment: For these reasons, this variant has been classified as Pathogenic. ClinVar contains an entry for this variant (Variation ID: 499430). This variant has not been reported in the literature in individuals affected with SPTAN1-related conditions. This variant is not present in population databases (gnomAD no frequency). This sequence change creates a premature translational stop signal (p.Val233Glyfs*20) in the SPTAN1 gene. It is expected to result in an absent or disrupted protein product. Loss-of-function variants in SPTAN1 are known to be pathogenic (PMID: 31332438, 33206935).

Eurofins Ntd Llc (ga)
Classification: Uncertain significance. Last evaluated: 2017-01-31. Review status: criteria provided, single submitter. Criteria: EGL Classification Definitions 2015. Collection method: clinical testing. Allele origin: germline. Observed: 1 variant allele, 1 heterozygote.

Literature cited by the submitters: PubMed 31332438 (cited by Labcorp Genetics (formerly Invitae), Labcorp); PubMed 33206935 (cited by Labcorp Genetics (formerly Invitae), Labcorp).